The following is an entry in ClinVar:

NM_080680.3(COL11A2):c.233-8G>T

Gene: COL11A2 (collagen type XI alpha 2 chain; minus strand). Cytogenetic location: 6p21.32.
Variant type: single nucleotide variant.
Coding change: c.233-8G>T on transcript NM_080680.3 (MANE Select); 8 bases into the intron before coding-DNA position 233, G replaced by T.
Molecular consequence: intron variant.
Genome position (GRCh38, 1-based): chr6:33,189,196, C>A on the plus strand (G>T on the coding strand, the complement: COL11A2 is on the minus strand). VCF-style: chr6-33189196-C-A. GRCh37 (hg19) VCF-style: chr6-33156973-C-A.
Other names: c.233-8G>T (NM_080679.3, NM_080681.3, NM_001163771.2).
Identifiers: ClinVar variation 228533 (VCV000228533.48), dbSNP rs375268140, ClinGen allele CA3751709.

ClinVar aggregate classification (germline): Conflicting classifications of pathogenicity. Review status: criteria provided, conflicting classifications (1 of 4 stars). 7 submissions from 7 submitters: Uncertain significance (3); Likely benign (3). 1 of the submissions does not count toward it. Last evaluated 2026-07-01.

Conditions:
COL11A2-related disorder. Also called: COL11A2-related condition; COL11A2-related disorders.

Allele frequency attached by ClinVar (database versions not stated): ExAC 0.00011; gnomAD exomes 0.00011 and 0.00019; TOPMed 0.00015; gnomAD 0.00018 and 0.00019; ESP Exome Variant Server 0.00023.
gnomAD v4.1: 307 of 1,613,554 alleles (0.019%); highest among the groups gnomAD compares: Middle Eastern, 0.066%; no homozygotes.

Submissions (7):

CeGaT Center for Human Genetics Tuebingen
Classification: Uncertain significance. Last evaluated: 2026-07-01. Review status: criteria provided, single submitter. Criteria: CeGaT Center For Human Genetics Tuebingen Variant Classification Criteria Version 2. Collection method: clinical testing. Allele origin: germline. Affected: yes. Observed: 2 variant alleles.
Comment: COL11A2: PM2, BP4

Labcorp Genetics (formerly Invitae), Labcorp
Classification: Likely benign. Last evaluated: 2026-02-01. Review status: criteria provided, single submitter. Criteria: Invitae Variant Classification Sherloc (09022015). Collection method: clinical testing. Allele origin: germline.

Blueprint Genetics
Classification: Likely benign. Last evaluated: 2024-04-08. Review status: criteria provided, single submitter. Criteria: ACMG Guidelines, 2015. Collection method: clinical testing. Allele origin: germline.

GeneDx
Classification: Likely benign. Last evaluated: 2021-07-20. Review status: criteria provided, single submitter. Criteria: GeneDx Variant Classification Process June 2021. Collection method: clinical testing. Allele origin: germline. Affected: yes.

Eurofins Ntd Llc (ga)
Classification: Uncertain significance. Last evaluated: 2017-05-22. Review status: criteria provided, single submitter. Criteria: EGL Classification Definitions 2015. Collection method: clinical testing. Allele origin: germline. Observed: 1 variant allele, 1 heterozygote.

Laboratory for Molecular Medicine, Mass General Brigham Personalized Medicine
Classification: Uncertain significance. Last evaluated: 2015-12-21. Review status: criteria provided, single submitter. Criteria: LMM Criteria. Collection method: clinical testing. Allele origin: germline. Observed: 1 variant allele.
Comment: Variant classified as Uncertain Significance - Favor Benign. The c.233-8G>T vari ant in COLL11A2 has not been reported in individuals with hearing loss or Stickl er syndrome. It has been identified in 13/64704 of European chromosomes by the E xome Aggregation Consortium (ExAC; dbSNP rs37526 8140); however this frequency is not high enough to rule out a pathogenic role. The variant occurs in the 3' splice region but does not impact the invariant (-1 /-2) positions of the splice consensus sequence. Computational tools do not sugg est an impact to splicing; however, this information is not predictive enough to rule out pathogenicity. In summary, while the clinical significance of the c.23 3-8G>T variant is uncertain, these data suggest that it is more likely to be ben ign.

PreventionGenetics, part of Exact Sciences
Classification: Likely benign for COL11A2-related condition. Last evaluated: 2019-04-17. Review status: no assertion criteria provided. Collection method: clinical testing. Allele origin: germline. Not counted in ClinVar's aggregate classification.
Comment: This variant is classified as likely benign based on ACMG/AMP sequence variant interpretation guidelines (Richards et al. 2015 PMID: 25741868, with internal and published modifications).